The following is an entry in ClinVar:

NM_015192.4(PLCB1):c.106A>G (p.Thr36Ala)

Gene: PLCB1 (phospholipase C beta 1; plus strand). Cytogenetic location: 20p12.3.
Variant type: single nucleotide variant.
Coding change: c.106A>G on transcript NM_015192.4 (MANE Select); coding-DNA position 106, A replaced by G.
Protein change: p.Thr36Ala; replaces threonine 36 with alanine.
Molecular consequence: missense variant.
Genome position (GRCh38, 1-based): chr20:8,150,300, A>G. VCF-style: chr20-8150300-A-G. GRCh37 (hg19) VCF-style: chr20-8130947-A-G.
Other names: c.106A>G, p.Thr36Ala (NM_182734.3); short protein forms T36A.
Identifiers: ClinVar variation 968346 (VCV000968346.10), dbSNP rs377750225, ClinGen allele CA9759567.
Genomic context (GRCh38, chr20:8,150,300, plus strand): 5'-AGATTTTTCTACAGTGATATATGTTGATATTCATGTTTCTTCTTACATTTCTAGGACTCA[A>G]CTATTGTTACTCCAATTATTTTGAGGACTGACCCTCAGGGATTTTTCTTTTACTGGACAG-3'
Protein context (NP_056007.1, residues 26-46): TKFVKWDDDS[Thr36Ala]IVTPIILRTD

ClinVar aggregate classification (germline): Uncertain significance (1 of 4 stars; one submission).

Conditions:
Developmental and epileptic encephalopathy, 12 (DEE12). Identifiers: MedGen C3150988, MONDO:0013389, OMIM 613722.

Allele frequency attached by ClinVar (database versions not stated): gnomAD exomes below 0.00001; TOPMed below 0.00001; ExAC 0.00001; ESP Exome Variant Server 0.00008.
gnomAD v4.1: 1 of 1,472,086 alleles (0.000068%); no homozygotes.

Submission:

Labcorp Genetics (formerly Invitae), Labcorp
Classification: Uncertain significance for Developmental and epileptic encephalopathy, 12. Last evaluated: 2024-03-04. Review status: criteria provided, single submitter. Criteria: Invitae Variant Classification Sherloc (09022015). Collection method: clinical testing. Allele origin: germline.
Comment: This sequence change replaces threonine, which is neutral and polar, with alanine, which is neutral and non-polar, at codon 36 of the PLCB1 protein (p.Thr36Ala). The frequency data for this variant in the population databases is considered unreliable, as metrics indicate poor data quality at this position in the gnomAD database. This variant has not been reported in the literature in individuals affected with PLCB1-related conditions. ClinVar contains an entry for this variant (Variation ID: 968346). Advanced modeling of protein sequence and biophysical properties (such as structural, functional, and spatial information, amino acid conservation, physicochemical variation, residue mobility, and thermodynamic stability) performed at Invitae indicates that this missense variant is not expected to disrupt PLCB1 protein function with a negative predictive value of 80%. In summary, the available evidence is currently insufficient to determine the role of this variant in disease. Therefore, it has been classified as a Variant of Uncertain Significance.